The following is an entry in ClinVar:

NM_004385.5(VCAN):c.7136A>T (p.Glu2379Val)

Genes: VCAN (versican; plus strand), VCAN-AS1 (VCAN antisense RNA 1; minus strand). Cytogenetic location: 5q14.3.
Variant type: single nucleotide variant.
Coding change: c.7136A>T on transcript NM_004385.5 (MANE Select); coding-DNA position 7136, A replaced by T.
Protein change: p.Glu2379Val; replaces glutamic acid 2379 with valine.
Molecular consequence: missense variant. On other transcripts: intron variant (2).
Genome position (GRCh38, 1-based): chr5:83,540,139, A>T. VCF-style: chr5-83540139-A-T. GRCh37 (hg19) VCF-style: chr5-82835958-A-T.
Other names: c.4175A>T, p.Glu1392Val (NM_001164097.2); c.4004-5398A>T (NM_001164098.2); c.1043-5398A>T (NM_001126336.3); short protein forms E1392V, E2379V.
Identifiers: ClinVar variation 1470762 (VCV001470762.8), dbSNP rs201642515, ClinGen allele CA3333588.

ClinVar aggregate classification (germline): Uncertain significance (1 of 4 stars; one submission).

Allele frequency attached by ClinVar (database versions not stated): TOPMed below 0.00001; ExAC 0.00001; gnomAD exomes 0.00001 and 0.00008; gnomAD 0.00002; 1000 Genomes Project 30x 0.00031; 1000 Genomes Project 0.00040.
gnomAD v4.1: 122 of 1,614,014 alleles (0.0076%); highest among the groups gnomAD compares: East Asian, 0.27%; 1 homozygote.

Submission:

Labcorp Genetics (formerly Invitae), Labcorp
Classification: Uncertain significance. Last evaluated: 2024-08-17. Review status: criteria provided, single submitter. Criteria: Invitae Variant Classification Sherloc (09022015). Collection method: clinical testing. Allele origin: germline.
Comment: This sequence change replaces glutamic acid, which is acidic and polar, with valine, which is neutral and non-polar, at codon 2379 of the VCAN protein (p.Glu2379Val). This variant is present in population databases (rs201642515, gnomAD 0.01%). This variant has not been reported in the literature in individuals affected with VCAN-related conditions. ClinVar contains an entry for this variant (Variation ID: 1470762). An algorithm developed to predict the effect of missense changes on protein structure and function (PolyPhen-2) suggests that this variant is likely to be tolerated. In summary, the available evidence is currently insufficient to determine the role of this variant in disease. Therefore, it has been classified as a Variant of Uncertain Significance.